The following is an entry in ClinVar:

NM_000051.4(ATM):c.5971dup (p.Glu1991fs)

Genes: C11orf65 (chromosome 11 open reading frame 65; minus strand), ATM (ATM serine/threonine kinase; plus strand). Cytogenetic location: 11q22.3.
Variant type: Duplication.
Coding change: c.5971dup on transcript NM_000051.4 (MANE Select); coding-DNA position 5971, one base duplicated (G; older notation c.5971dupG).
Protein change: p.Glu1991fs; shifts the reading frame from glutamic acid 1991.
Molecular consequence: frameshift variant. On other transcripts: intron variant (2).
Genome position (GRCh38, 1-based): chr11:108,312,463, G duplicated. VCF-style (leftmost placement, unchanged base first): chr11-108312462-T-TG. GRCh37 (hg19) VCF-style: chr11-108183189-T-TG.
Other names: c.5971dupG (NM_000051.3); c.5971dup, p.Glu1991fs (NM_001351834.2); c.641-3392dup (NM_001330368.2); c.*39-3392dup (NM_001351110.2); short protein forms E1991fs.
Identifiers: ClinVar variation 653641 (VCV000653641.8), dbSNP rs1591758604, ClinGen allele CA915947641.

ClinVar aggregate classification (germline): Pathogenic (1 of 4 stars; one submission).

Conditions:
Ataxia-telangiectasia syndrome (AT). Also called: Ataxia-telangiectasia, complementation group D; AT, COMPLEMENTATION GROUP C; ATAXIA-TELANGIECTASIA, COMPLEMENTATION GROUP A; ATAXIA-TELANGIECTASIA, FRESNO VARIANT; Ataxia-telangiectasia; LOUIS-BAR SYNDROME. Identifiers: Orphanet 100, MedGen C0004135, MONDO:0008840, OMIM 208900.

Submission:

Labcorp Genetics (formerly Invitae), Labcorp
Classification: Pathogenic for Ataxia-telangiectasia syndrome. Last evaluated: 2023-12-11. Review status: criteria provided, single submitter. Criteria: Invitae Variant Classification Sherloc (09022015). Collection method: clinical testing. Allele origin: germline.
Comment: This sequence change creates a premature translational stop signal (p.Glu1991Glyfs*4) in the ATM gene. It is expected to result in an absent or disrupted protein product. Loss-of-function variants in ATM are known to be pathogenic (PMID: 23807571, 25614872). This variant is not present in population databases (gnomAD no frequency). This variant has not been reported in the literature in individuals affected with ATM-related conditions. ClinVar contains an entry for this variant (Variation ID: 653641). Algorithms developed to predict the effect of sequence changes on RNA splicing suggest that this variant may disrupt the consensus splice site. For these reasons, this variant has been classified as Pathogenic.

Literature cited by the submitters: PubMed 23807571; PubMed 25614872.